The following is an entry in ClinVar:

NM_015335.5(MED13L):c.3667A>G (p.Ile1223Val)

Gene: MED13L (mediator complex subunit 13L; minus strand). Cytogenetic location: 12q24.21.
Variant type: single nucleotide variant.
Coding change: c.3667A>G on transcript NM_015335.5 (MANE Select); coding-DNA position 3667, A replaced by G.
Protein change: p.Ile1223Val; replaces isoleucine 1223 with valine.
Molecular consequence: missense variant.
Genome position (GRCh38, 1-based): chr12:115,991,287, T>C on the plus strand (A>G on the coding strand, the complement: MED13L is on the minus strand). VCF-style: chr12-115991287-T-C. GRCh37 (hg19) VCF-style: chr12-116429092-T-C.
Other names: short protein forms I1223V.
Identifiers: ClinVar variation 946449 (VCV000946449.10), dbSNP rs1878044534, ClinGen allele CA386886958.
Genomic context (GRCh38, chr12:115,991,287, plus strand): 5'-GGAAATTCAGTGAAGCAAAAGGTTGTGTGTGTTGATTCTGGAGGAGGAGGAGAAGGCTTA[T>C]GGGTGGCTCCTGGGGTTTTTTGGTTCCTTCCACCTGAGGAAGGAAGGTGGACTGACACAT-3'
Protein context (NP_056150.1, residues 1213-1233): EGTKKPQEPP[Ile1223Val]SLLLLLQNQH

ClinVar aggregate classification (germline): Uncertain significance (1 of 4 stars; one submission).

Conditions:
Dextro-looped transposition of the great arteries. Also called: Dextrotransposition of the great arteries. Identifiers: Orphanet 860, MedGen C3531771, MONDO:0019443, OMIM 608808, HP:0031348.

gnomAD v4.1: 1 of 1,614,164 alleles (0.000062%); no homozygotes.

Submission:

Labcorp Genetics (formerly Invitae), Labcorp
Classification: Uncertain significance for Dextro-looped transposition of the great arteries. Last evaluated: 2019-04-25. Review status: criteria provided, single submitter. Criteria: Invitae Variant Classification Sherloc (09022015). Collection method: clinical testing. Allele origin: germline.
Comment: This sequence change replaces isoleucine with valine at codon 1223 of the MED13L protein (p.Ile1223Val). The isoleucine residue is weakly conserved and there is a small physicochemical difference between isoleucine and valine. This variant is not present in population databases (ExAC no frequency). This variant has not been reported in the literature in individuals with MED13L-related conditions. Algorithms developed to predict the effect of missense changes on protein structure and function output the following: SIFT: "Tolerated"; PolyPhen-2: "Benign"; Align-GVGD: "Class C0". The valine amino acid residue is found in multiple mammalian species, suggesting that this missense change does not adversely affect protein function. These predictions have not been confirmed by published functional studies and their clinical significance is uncertain. Algorithms developed to predict the effect of sequence changes on RNA splicing suggest that this variant may create or strengthen a splice site, but this prediction has not been confirmed by published transcriptional studies. In summary, the available evidence is currently insufficient to determine the role of this variant in disease. Therefore, it has been classified as a Variant of Uncertain Significance.